The following is an entry in ClinVar:

NM_000530.8(MPZ):c.401A>T (p.Asp134Val)

Gene: MPZ (myelin protein zero; minus strand). Cytogenetic location: 1q23.3.
Variant type: single nucleotide variant.
Coding change: c.401A>T on transcript NM_000530.8 (MANE Select); coding-DNA position 401, A replaced by T.
Protein change: p.Asp134Val; replaces aspartic acid 134 with valine.
Molecular consequence: missense variant.
Genome position (GRCh38, 1-based): chr1:161,306,755, T>A on the plus strand (A>T on the coding strand, the complement: MPZ is on the minus strand). VCF-style: chr1-161306755-T-A. GRCh37 (hg19) VCF-style: chr1-161276545-T-A.
Other names: c.401A>T (NM_000530.7); c.401A>T, p.Asp134Val (NM_001315491.2); short protein forms D134V.
Identifiers: ClinVar variation 1685953 (VCV001685953.2), dbSNP rs1571818775, ClinGen allele CA343348654.

ClinVar aggregate classification (germline): Conflicting classifications of pathogenicity. Review status: criteria provided, conflicting classifications (1 of 4 stars). 2 submissions from 2 submitters: Pathogenic (1); Uncertain significance (1). Last evaluated 2026-06-16.

Conditions:
Charcot-Marie-Tooth disease type 1B. Also called: PERONEAL MUSCULAR ATROPHY; CHARCOT-MARIE-TOOTH DISEASE, AUTOSOMAL DOMINANT, WITH FOCALLY FOLDED MYELIN SHEATHS, TYPE 1B; CHARCOT-MARIE-TOOTH DISEASE, SLOW NERVE CONDUCTION TYPE, LINKED TO DUFFY; CHARCOT-MARIE-TOOTH NEUROPATHY, TYPE 1B; HEREDITARY MOTOR AND SENSORY NEUROPATHY I; HEREDITARY MOTOR AND SENSORY NEUROPATHY IB. Identifiers: Orphanet 101082, MedGen C0270912, MONDO:0007307, OMIM 118200.
MPZ-related disorder. Also called: MPZ-related condition; MPZ-related disorders.

Submissions (2):

PreventionGenetics, part of Exact Sciences
Classification: Uncertain significance for MPZ-related condition. Last evaluated: 2026-06-16. Review status: criteria provided, single submitter. Criteria: ACMG Guidelines, 2015. Collection method: clinical testing. Allele origin: germline.
Comment: The MPZ c.401A>T variant is predicted to result in the amino acid substitution p.Asp134Val. To our knowledge, this variant has not been reported in the literature or in a large population database (gnomAD), indicating this variant is rare. Alternate missense changes at the same amino acid position (p.Asp134Glu, p.Asp134His, Asp134Asn) have been reported in individuals affected with MPZ-related disorders (Baets et al. 2011. PubMed ID: 21840889; Sanmaneechai et al. 2015. PubMed ID: 26310628; Nelis et al. 1994. PubMed ID: 7527371). Although we suspect that this variant may be pathogenic, at this time, the clinical significance of this variant is uncertain due to the absence of conclusive functional and genetic evidence.

Mendelics
Classification: Pathogenic for Charcot-Marie-Tooth disease type 1B. Last evaluated: 2022-05-04. Review status: criteria provided, single submitter. Criteria: Mendelics Assertion Criteria 2019. Collection method: clinical testing. Allele origin: germline.